The following is an entry in ClinVar:

NM_001376.5(DYNC1H1):c.9762+4T>G

Gene: DYNC1H1 (dynein cytoplasmic 1 heavy chain 1; plus strand). Cytogenetic location: 14q32.31.
Variant type: single nucleotide variant.
Coding change: c.9762+4T>G on transcript NM_001376.5 (MANE Select); 4 bases into the intron after coding-DNA position 9762, T replaced by G.
Molecular consequence: intron variant.
Genome position (GRCh38, 1-based): chr14:102,029,942, T>G. VCF-style: chr14-102029942-T-G. GRCh37 (hg19) VCF-style: chr14-102496279-T-G.
Identifiers: ClinVar variation 1768120 (VCV001768120.2), dbSNP rs1267511172, ClinGen allele CA616580269.
Genomic context (GRCh38, chr14:102,029,942, plus strand): 5'-GCCAATGACAAGCTGAAAAAGATGGTGAAAGACCAGCAGGAGGCTGAAAAGAAGAAGGTA[T>G]GGTGTCAGGGAATTCTGGCCTGTAAGGACTGAGCATTTTCAGTCTCCAATGAGAGAGTAG-3'

ClinVar aggregate classification (germline): Uncertain significance (1 of 4 stars; one submission).

Conditions:
Inborn genetic diseases. Identifiers: MedGen C0950123, MeSH D030342.

Submission:

Ambry Genetics
Classification: Uncertain significance for Inborn genetic diseases. Last evaluated: 2019-12-17. Review status: criteria provided, single submitter. Criteria: Ambry Variant Classification Scheme 2023. Collection method: clinical testing. Allele origin: germline.
Comment: The c.9762+4T>G intronic variant results from a T to G substitution 4 nucleotides after coding exon 50 in the DYNC1H1 gene. This nucleotide position is well conserved in available vertebrate species. Using the BDGP and ESEfinder splice site prediction tools, this alteration is not predicted to have any significant effect on this splice donor site; however, direct evidence is unavailable. Since supporting evidence is limited at this time, the clinical significance of this alteration remains unclear.